The following is an entry in ClinVar:

ClinVar aggregate classification (germline): Uncertain significance (1 of 4 stars; one submission).

Conditions:
ADNP-related multiple congenital anomalies - intellectual disability - autism spectrum disorder. Also called: Helsmoortel-Van der Aa Syndrome; ADNP-Related Helsmoortel-Van der Aa Syndrome. Identifiers: Orphanet 404448, MedGen C4014538, MONDO:0014379, OMIM 615873. Disease mechanism: loss of function.

Submission:

Clinical Genomics Laboratory, Washington University in St. Louis
Classification: Uncertain significance for ADNP-related multiple congenital anomalies - intellectual disability - autism spectrum disorder. Last evaluated: 2025-05-15. Review status: criteria provided, single submitter. Criteria: ACMG Guidelines, 2015. Collection method: clinical testing. Allele origin: germline.
Comment: The PDZD2 c.7948-1G>T variant, to our knowledge, has not been reported in the medical literature. This variant is absent from the general population (gnomAD v2.1.1), indicating it is not a common variant. This variant occurs within the canonical splice acceptor site, which is predicted to cause skipping of the exon, leading to an out-of-frame transcript. Due to limited information, the clinical significance of this variant is uncertain.

NM_178140.4(PDZD2):c.7948-1G>T

Genes: PDZD2 (PDZ domain containing 2; plus strand), LOC126807343 (CDK7 strongly-dependent group 2 enhancer GRCh37_chr5:32097810-32099009; plus strand). Cytogenetic location: 5p13.3.
Variant type: single nucleotide variant.
Coding change: c.7948-1G>T on transcript NM_178140.4 (MANE Select); the canonical splice acceptor site of the intron before coding-DNA position 7948, G replaced by T.
Molecular consequence: splice acceptor variant.
Genome position (GRCh38, 1-based): chr5:32,098,363, G>T. VCF-style: chr5-32098363-G-T. GRCh37 (hg19) VCF-style: chr5-32098469-G-T.
Identifiers: ClinVar variation 4279969 (VCV004279969.1).